The following is an entry in ClinVar:

NM_025144.4(ALPK1):c.602G>A (p.Gly201Glu)

Gene: ALPK1 (alpha kinase 1; plus strand). Cytogenetic location: 4q25.
Variant type: single nucleotide variant.
Coding change: c.602G>A on transcript NM_025144.4 (MANE Select); coding-DNA position 602, G replaced by A.
Protein change: p.Gly201Glu; replaces glycine 201 with glutamic acid.
Molecular consequence: missense variant.
Genome position (GRCh38, 1-based): chr4:112,425,731, G>A. VCF-style: chr4-112425731-G-A. GRCh37 (hg19) VCF-style: chr4-113346887-G-A.
Other names: c.602G>A, p.Gly201Glu (NM_001102406.2); c.368G>A, p.Gly123Glu (NM_001253884.2); short protein forms G123E, G201E.
Identifiers: ClinVar variation 3664208 (VCV003664208.2).

ClinVar aggregate classification (germline): Uncertain significance (1 of 4 stars; one submission).

Submission:

Labcorp Genetics (formerly Invitae), Labcorp
Classification: Uncertain significance. Last evaluated: 2024-09-01. Review status: criteria provided, single submitter. Criteria: Invitae Variant Classification Sherloc (09022015). Collection method: clinical testing. Allele origin: germline.
Comment: This sequence change replaces glycine, which is neutral and non-polar, with glutamic acid, which is acidic and polar, at codon 201 of the ALPK1 protein (p.Gly201Glu). This variant is present in population databases (rs750607501, gnomAD 0.003%). This variant has not been reported in the literature in individuals affected with ALPK1-related conditions. Invitae Evidence Modeling of protein sequence and biophysical properties (such as structural, functional, and spatial information, amino acid conservation, physicochemical variation, residue mobility, and thermodynamic stability) indicates that this missense variant is expected to disrupt ALPK1 protein function with a positive predictive value of 80%. In summary, the available evidence is currently insufficient to determine the role of this variant in disease. Therefore, it has been classified as a Variant of Uncertain Significance.